The following is an entry in ClinVar:

NM_000051.4(ATM):c.180T>G (p.Val60=)

Gene: ATM (ATM serine/threonine kinase; plus strand). Cytogenetic location: 11q22.3.
Variant type: single nucleotide variant.
Coding change: c.180T>G on transcript NM_000051.4 (MANE Select); coding-DNA position 180, T replaced by G.
Protein change: p.Val60=; no amino-acid change (valine 60 retained).
Molecular consequence: synonymous variant.
Genome position (GRCh38, 1-based): chr11:108,227,883, T>G. VCF-style: chr11-108227883-T-G. GRCh37 (hg19) VCF-style: chr11-108098610-T-G.
Other names: c.180T>G, p.Val60= (NM_001351834.2, NM_001351835.2, NM_001351836.2).
Identifiers: ClinVar variation 184276 (VCV000184276.19), dbSNP rs786201375, ClinGen allele CA188454.

ClinVar aggregate classification (germline): Conflicting classifications of pathogenicity. Review status: criteria provided, conflicting classifications (1 of 4 stars). 5 submissions from 5 submitters: Uncertain significance (1); Benign (1); Likely benign (3). Last evaluated 2024-08-01.

Conditions:
Hereditary cancer-predisposing syndrome. Also called: Tumor predisposition; Hereditary Cancer Syndrome; Hereditary neoplastic syndrome; Neoplastic Syndromes, Hereditary. Identifiers: Orphanet 140162, MedGen C0027672, MeSH D009386, MONDO:0015356.
Familial cancer of breast. Also called: BREAST CANCER, FAMILIAL; hereditary breast carcinoma; Hereditary breast cancer. Identifiers: Orphanet 227535, MedGen C0346153, MONDO:0016419, OMIM 114480. Disease mechanism: loss of function.
Ataxia-telangiectasia syndrome (AT). Also called: LOUIS-BAR SYNDROME; Cerebello-oculocutaneous telangiectasia; Immunodeficiency with ataxia telangiectasia; ATAXIA-TELANGIECTASIA, COMPLEMENTATION GROUP A; ATAXIA-TELANGIECTASIA, FRESNO VARIANT; Ataxia-telangiectasia. Identifiers: Orphanet 100, MedGen C0004135, MONDO:0008840, OMIM 208900.

Allele frequency attached by ClinVar (database versions not stated): gnomAD exomes below 0.00001.
gnomAD v4.1: 3 of 1,607,674 alleles (0.00019%); highest among the groups gnomAD compares: Non-Finnish European, 0.00026%; no homozygotes.

Submissions (5):

Labcorp Genetics (formerly Invitae), Labcorp
Classification: Likely benign for Ataxia-telangiectasia syndrome. Last evaluated: 2024-08-01. Review status: criteria provided, single submitter. Criteria: Invitae Variant Classification Sherloc (09022015). Collection method: clinical testing. Allele origin: germline.

Myriad Genetics, Inc.
Classification: Benign for Familial cancer of breast. Last evaluated: 2024-04-17. Review status: criteria provided, single submitter. Criteria: Myriad Autosomal Dominant, Autosomal Recessive and X-Linked Classification Criteria (2023). Collection method: clinical testing. Allele origin: unknown.
Comment: This variant is considered benign. This variant is a silent/synonymous amino acid change and it is not expected to impact splicing.

GeneDx
Classification: Uncertain significance. Last evaluated: 2023-12-18. Review status: criteria provided, single submitter. Criteria: GeneDx Variant Classification Process June 2021. Collection method: clinical testing. Allele origin: germline. Affected: yes.
Comment: Not observed at significant frequency in large population cohorts (gnomAD); In silico analysis supports that this variant does not alter splicing; Has not been previously published as pathogenic or benign to our knowledge

Color Diagnostics, LLC DBA Color Health
Classification: Likely benign for Hereditary cancer-predisposing syndrome. Last evaluated: 2022-04-05. Review status: criteria provided, single submitter. Criteria: ACMG Guidelines, 2015. Collection method: clinical testing. Allele origin: germline.

Ambry Genetics
Classification: Likely benign for Hereditary cancer-predisposing syndrome. Last evaluated: 2017-05-11. Review status: criteria provided, single submitter. Criteria: Ambry Variant Classification Scheme 2023. Collection method: clinical testing. Allele origin: germline.